The following is an entry in ClinVar:

NM_003442.6(ZNF143):c.841+3A>G

Gene: ZNF143 (zinc finger protein 143; plus strand). Cytogenetic location: 11p15.4.
Variant type: single nucleotide variant.
Coding change: c.841+3A>G on transcript NM_003442.6 (MANE Select); 3 bases into the intron after coding-DNA position 841, A replaced by G.
Molecular consequence: intron variant.
Genome position (GRCh38, 1-based): chr11:9,496,381, A>G. VCF-style: chr11-9496381-A-G. GRCh37 (hg19) VCF-style: chr11-9517928-A-G.
Other names: c.838+3A>G (NM_001282656.2); c.748+3A>G (NM_001282657.2).
Identifiers: ClinVar variation 4763076 (VCV004763076.1).

ClinVar aggregate classification (germline): Uncertain significance (1 of 4 stars; one submission).

gnomAD v4.1: 28 of 1,613,940 alleles (0.0017%); highest among the groups gnomAD compares: Non-Finnish European, 0.0023%; no homozygotes.

Submission:

Labcorp Genetics (formerly Invitae), Labcorp
Classification: Uncertain significance. Last evaluated: 2025-12-06. Review status: criteria provided, single submitter. Criteria: Invitae Variant Classification Sherloc (09022015). Collection method: clinical testing. Allele origin: germline.
Comment: This sequence change falls in intron 9 of the ZNF143 gene. It does not directly change the encoded amino acid sequence of the ZNF143 protein. It affects a nucleotide within the consensus splice site. This variant is present in population databases (rs375560570, gnomAD 0.009%). This variant has not been reported in the literature in individuals affected with ZNF143-related conditions. Variants that disrupt the consensus splice site are a relatively common cause of aberrant splicing (PMID: 17576681, 9536098). Algorithms developed to predict the effect of sequence changes on RNA splicing suggest that this variant may disrupt the consensus splice site. In summary, the available evidence is currently insufficient to determine the role of this variant in disease. Therefore, it has been classified as a Variant of Uncertain Significance.

Literature cited by the submitters: PubMed 17576681; PubMed 9536098.